The following is an entry in ClinVar:

NM_001374828.1(ARID1B):c.4983G>A (p.Pro1661=)

Gene: ARID1B (AT-rich interaction domain 1B; plus strand). Cytogenetic location: 6q25.3.
Variant type: single nucleotide variant.
Coding change: c.4983G>A on transcript NM_001374828.1 (MANE Select); coding-DNA position 4983, G replaced by A.
Protein change: p.Pro1661=; no amino-acid change (proline 1661 retained).
Molecular consequence: synonymous variant.
Genome position (GRCh38, 1-based): chr6:157,201,208, G>A. VCF-style: chr6-157201208-G-A. GRCh37 (hg19) VCF-style: chr6-157522342-G-A.
Other names: c.2484G>A, p.Pro828= (NM_001363725.2); c.4863G>A, p.Pro1621= (NM_001371656.1, NM_001374820.1); c.4824G>A, p.Pro1608= (NM_017519.3); c.4614G>A (NM_020732.3).
Identifiers: ClinVar variation 3350588 (VCV003350588.3).
Genomic context (GRCh38, chr6:157,201,208, plus strand): 5'-GCGTCAGCCTTATATGTCGTCCTCAGCCTCCATGCAGCCCATCACACGCCCACCACAGCC[G>A]TCCTACCAGACGCCACCGTCACTGCCAAATCACATCTCCAGGGCGCCCAGCCCAGCGTCC-3'
Protein context (NP_001361757.1, residues 1651-1671): SMQPITRPPQ[Pro1661=]SYQTPPSLPN

ClinVar aggregate classification (germline): Likely benign. Review status: criteria provided, single submitter (1 of 4 stars). 2 submissions from 2 submitters: Likely benign (1). 1 of the submissions does not count toward it. Last evaluated 2024-08-12.

Conditions:
ARID1B-Related Disorder. Identifiers: MedGen CN381337.

gnomAD v4.1: 20 of 1,613,714 alleles (0.0012%); highest among the groups gnomAD compares: African/African-American, 0.008%; no homozygotes.

Submissions (2):

Labcorp Genetics (formerly Invitae), Labcorp
Classification: Likely benign. Last evaluated: 2024-08-12. Review status: criteria provided, single submitter. Criteria: Invitae Variant Classification Sherloc (09022015). Collection method: clinical testing. Allele origin: germline.

PreventionGenetics, part of Exact Sciences
Classification: Likely benign for ARID1B-related condition. Last evaluated: 2024-07-18. Review status: no assertion criteria provided. Collection method: clinical testing. Allele origin: germline. Not counted in ClinVar's aggregate classification.
Comment: This variant is classified as likely benign based on ACMG/AMP sequence variant interpretation guidelines (Richards et al. 2015 PMID: 25741868, with internal and published modifications).